The following is an entry in ClinVar:

ClinVar aggregate classification (germline): Uncertain significance (1 of 4 stars; one submission).

Conditions:
X-linked severe combined immunodeficiency (SCIDX1). Also called: IMMUNODEFICIENCY 4; SCID, X-LINKED; SEVERE COMBINED IMMUNODEFICIENCY, X-LINKED, T CELL-NEGATIVE, B CELL-POSITIVE, NK CELL-NEGATIVE; X-Linked Combined Immunodeficiency Diseases; T-B+ severe combined immunodeficiency due to gamma chain deficiency. Identifiers: Orphanet 276, MedGen C6022468, MONDO:0010315, OMIM 300400. Disease mechanism: loss of function.

Submission:

Labcorp Genetics (formerly Invitae), Labcorp
Classification: Uncertain significance for X-linked severe combined immunodeficiency. Last evaluated: 2025-04-11. Review status: criteria provided, single submitter. Criteria: Invitae Variant Classification Sherloc (09022015). Collection method: clinical testing. Allele origin: germline.
Comment: This sequence change replaces leucine, which is neutral and non-polar, with tryptophan, which is neutral and slightly polar, at codon 183 of the IL2RG protein (p.Leu183Trp). This variant is not present in population databases (gnomAD no frequency). This variant has not been reported in the literature in individuals affected with IL2RG-related conditions. Invitae Evidence Modeling of protein sequence and biophysical properties (such as structural, functional, and spatial information, amino acid conservation, physicochemical variation, residue mobility, and thermodynamic stability) indicates that this missense variant is expected to disrupt IL2RG protein function with a positive predictive value of 95%. In summary, the available evidence is currently insufficient to determine the role of this variant in disease. Therefore, it has been classified as a Variant of Uncertain Significance.

NM_000206.3(IL2RG):c.548T>G (p.Leu183Trp)

Gene: IL2RG (interleukin 2 receptor subunit gamma; minus strand). Cytogenetic location: Xq13.1.
Variant type: single nucleotide variant.
Coding change: c.548T>G on transcript NM_000206.3 (MANE Select); coding-DNA position 548, T replaced by G.
Protein change: p.Leu183Trp; replaces leucine 183 with tryptophan.
Molecular consequence: missense variant.
Genome position (GRCh38, 1-based): chrX:71,110,202, A>C on the plus strand (T>G on the coding strand, the complement: IL2RG is on the minus strand). VCF-style: chrX-71110202-A-C. GRCh37 (hg19) VCF-style: chrX-70330052-A-C.
Other names: c.548T>G, p.Leu183Trp (NM_001438870.1); short protein forms L183W.
Identifiers: ClinVar variation 4709749 (VCV004709749.1).